The following is an entry in ClinVar:

ClinVar aggregate classification (germline): Uncertain significance (1 of 4 stars; one submission).

Conditions:
Familial thoracic aortic aneurysm and aortic dissection (TAAD). Also called: Thoracic aortic aneurysms and dissections. Identifiers: Orphanet 91387, MedGen C4707243, MONDO:0019625.

Submission:

Ambry Genetics
Classification: Uncertain significance for Familial thoracic aortic aneurysm and aortic dissection. Last evaluated: 2024-03-01. Review status: criteria provided, single submitter. Criteria: Ambry Variant Classification Scheme 2023. Collection method: clinical testing. Allele origin: germline.
Comment: The p.M512I variant (also known as c.1536G>A), located in coding exon 7 of the TGFBR2 gene, results from a G to A substitution at nucleotide position 1536. The methionine at codon 512 is replaced by isoleucine, an amino acid with highly similar properties. This amino acid position is conserved. In addition, this alteration is predicted to be tolerated by in silico analysis. Based on the available evidence, the clinical significance of this alteration remains unclear.

NM_003242.6(TGFBR2):c.1536G>A (p.Met512Ile)

Gene: TGFBR2 (transforming growth factor beta receptor 2; plus strand). Cytogenetic location: 3p24.1.
Variant type: single nucleotide variant.
Coding change: c.1536G>A on transcript NM_003242.6 (MANE Select); coding-DNA position 1536, G replaced by A.
Protein change: p.Met512Ile; replaces methionine 512 with isoleucine.
Molecular consequence: missense variant.
Genome position (GRCh38, 1-based): chr3:30,691,431, G>A. VCF-style: chr3-30691431-G-A. GRCh37 (hg19) VCF-style: chr3-30732923-G-A.
Other names: c.1611G>A, p.Met537Ile (NM_001024847.3); c.1719G>A, p.Met573Ile (NM_001407126.1); c.1644G>A, p.Met548Ile (NM_001407127.1); c.1563G>A, p.Met521Ile (NM_001407128.1); c.1539G>A, p.Met513Ile (NM_001407129.1); c.1533G>A, p.Met511Ile (NM_001407130.1); c.1431G>A, p.Met477Ile (NM_001407132.1, NM_001407133.1, NM_001407134.1 and 2 more transcripts); c.1251G>A, p.Met417Ile (NM_001407137.1); and 2 more; short protein forms M222I, M392I, M417I, M477I, M511I, M512I, M513I, M521I.
Identifiers: ClinVar variation 3223155 (VCV003223155.1), dbSNP rs1166402557, ClinGen allele CA351809501.